The following is an entry in ClinVar:

ClinVar aggregate classification (germline): Pathogenic (1 of 4 stars; one submission).

Conditions:
Hereditary factor VIII deficiency disease (HEMA). Also called: AUTOSOMAL HEMOPHILIA A; Hemophilia A; Hemophilia A, congenital; HEM A; Factor 8 deficiency, congenital; HEMOPHILIA, CLASSIC. Identifiers: Orphanet 98878, MedGen C0019069, MONDO:0010602, OMIM 306700.

Submission:

Clinical Genetics Laboratory, Skane University Hospital Lund
Classification: Pathogenic for Hereditary factor VIII deficiency disease. Last evaluated: 2026-05-29. Review status: criteria provided, single submitter. Criteria: ACMG Guidelines, 2015. Collection method: clinical testing. Allele origin: germline. Inheritance: X-linked inheritance. Affected: yes.
Comment: F8 (NM_000132.4):c.1599del, p.(Val534*) constitutes a single base pair deletion in exon 11 of 26, leading to a premature stop codon and thereby a truncated protein or loss of protein expression from the allele. F8 c.1599del has not been observed in males in the general population (gnomAD v4.1.1) and has not previously been reported in ClinVar. F8 c.1599del, p.(Val534*) has been classified as pathogenic using gene-specific criteria (ClinGen Coagulation Factor Deficiency Expert Panel Specifications to the ACMG/AMP Variant Interpretation Guidelines for F8 Version 2.0.0): PVS1, PS4_Supporting, PM2_Supporting.

NM_000132.4(F8):c.1599del (p.Thr533_Val534insTer)

Gene: F8 (coagulation factor VIII; minus strand). Cytogenetic location: Xq28.
Variant type: Deletion.
Coding change: c.1599del on transcript NM_000132.4 (MANE Select); coding-DNA position 1599, one base deleted (A; older notation c.1599delA).
Protein change: p.Thr533_Val534insTer.
Molecular consequence: frameshift variant.
Genome position (GRCh38, 1-based): chrX:154,957,110, T deleted on the plus strand (A on the coding strand, the reverse complement: F8 is on the minus strand). VCF-style (leftmost placement, unchanged base first): chrX-154957109-CT-C. GRCh37 (hg19) VCF-style: chrX-154185384-CT-C.
Identifiers: ClinVar variation 4856993 (VCV004856993.1).